The following is an entry in ClinVar:

NM_005228.5(EGFR):c.3366C>A (p.Asp1122Glu)

Gene: EGFR (epidermal growth factor receptor; plus strand). Cytogenetic location: 7p11.2.
Variant type: single nucleotide variant.
Coding change: c.3366C>A on transcript NM_005228.5 (MANE Select); coding-DNA position 3366, C replaced by A.
Protein change: p.Asp1122Glu; replaces aspartic acid 1122 with glutamic acid.
Molecular consequence: missense variant.
Genome position (GRCh38, 1-based): chr7:55,205,350, C>A. VCF-style: chr7-55205350-C-A. GRCh37 (hg19) VCF-style: chr7-55273043-C-A.
Other names: c.3231C>A, p.Asp1077Glu (NM_001346899.2); c.3207C>A, p.Asp1069Glu (NM_001346900.2); c.2565C>A, p.Asp855Glu (NM_001346941.2); short protein forms D1077E, D1069E, D1122E, D855E.
Identifiers: ClinVar variation 3507154 (VCV003507154.2).

ClinVar aggregate classification (germline): Uncertain significance. Review status: criteria provided, multiple submitters, no conflicts (2 of 4 stars). 2 submissions from 2 submitters: Uncertain significance (2). Last evaluated 2025-08-28.

Conditions:
EGFR-related lung cancer (EGFR). Identifiers: MedGen CN130014.
Hereditary cancer-predisposing syndrome. Also called: Tumor predisposition; Neoplastic Syndromes, Hereditary; Hereditary Cancer Syndrome; Hereditary neoplastic syndrome. Identifiers: Orphanet 140162, MedGen C0027672, MeSH D009386, MONDO:0015356.

Submissions (2):

Labcorp Genetics (formerly Invitae), Labcorp
Classification: Uncertain significance for EGFR-related lung cancer. Last evaluated: 2025-08-28. Review status: criteria provided, single submitter. Criteria: Invitae Variant Classification Sherloc (09022015). Collection method: clinical testing. Allele origin: germline.
Comment: This sequence change replaces aspartic acid, which is acidic and polar, with glutamic acid, which is acidic and polar, at codon 1122 of the EGFR protein (p.Asp1122Glu). This variant is not present in population databases (gnomAD no frequency). This variant has not been reported in the literature in individuals affected with EGFR-related conditions. ClinVar contains an entry for this variant (Variation ID: 3507154). An algorithm developed to predict the effect of missense changes on protein structure and function outputs the following: PolyPhen-2: "Benign". The glutamic acid amino acid residue is found in multiple mammalian species, which suggests that this missense change does not adversely affect protein function. In summary, the available evidence is currently insufficient to determine the role of this variant in disease. Therefore, it has been classified as a Variant of Uncertain Significance.

Ambry Genetics
Classification: Uncertain significance for Hereditary cancer-predisposing syndrome. Last evaluated: 2024-10-05. Review status: criteria provided, single submitter. Criteria: Ambry Variant Classification Scheme 2023. Collection method: clinical testing. Allele origin: germline.
Comment: The p.D1122E variant (also known as c.3366C>A), located in coding exon 28 of the EGFR gene, results from a C to A substitution at nucleotide position 3366. The aspartic acid at codon 1122 is replaced by glutamic acid, an amino acid with highly similar properties. This amino acid position is conserved. In addition, this alteration is predicted to be tolerated by in silico analysis. Based on the available evidence, the clinical significance of this variant remains unclear.